The following continues an entry in ClinVar:

NM_000133.4(F9):c.1345C>T (p.Arg449Trp)

Gene: F9. ClinVar aggregate classification (germline): Uncertain significance. Uncertain significance (1).

Submissions 9 to 10 of 10:

ARUP Laboratories, Molecular Genetics and Genomics, ARUP Laboratories
Classification: Pathogenic. Last evaluated: 2019-08-22. Review status: criteria provided, single submitter. Criteria: ARUP Molecular Germline Variant Investigation Process. Collection method: clinical testing. Allele origin: germline. Not counted in ClinVar's aggregate classification.
Comment: The F9 c.1345C>T; p.Arg449Trp variant (rs757996262) is reported in the literature in multiple individuals affected with mild hemophilia B (Giannelli 1994, Factor IX database and references therein). Clotting assays performed on patient samples with this variant exhibit between 19% and 40% normal clotting activity (Factor IX database and references therein). This variant is found on only eight chromosomes (8/204623 alleles) in the Genome Aggregation Database. The arginine at codon 449 is moderately conserved, but computational analyses (SIFT: damaging, PolyPhen-2: benign) predict conflicting effects of this variant on protein structure/function. However, another amino acid substitution at this codon (p.Arg449Gln) has also been reported in individuals with hemophilia B and is considered disease-causing (Giannelli 1994, Factor IX database and references therein). Based on available information, the p.Arg449Trp variant is considered to be pathogenic. References: Factor IX database: Giannelli F et al. Haemophilia B: database of point mutations and short additions and deletions, fifth edition, 1994. Nucleic Acids Res. 1994 Sep;22(17):3534-46.

NIHR Bioresource Rare Diseases, University of Cambridge
Classification: Likely pathogenic for Hereditary factor VIII deficiency disease. Last evaluated: 2019-02-01. Review status: criteria provided, single submitter. Criteria: ACMG Guidelines, 2015. Collection method: research. Allele origin: unknown. Affected: yes. Observed: 1 hemizygote. Study: ThromboGenomics. Not counted in ClinVar's aggregate classification.

Literature cited by the submitters: PubMed 19699296 (cited by Women's Health and Genetics/Laboratory Corporation of America, LabCorp and Labcorp Genetics (formerly Invitae), Labcorp); PubMed 22639855 (cited by Women's Health and Genetics/Laboratory Corporation of America, LabCorp and Labcorp Genetics (formerly Invitae), Labcorp); PubMed 7937052 (cited by Women's Health and Genetics/Laboratory Corporation of America, LabCorp and Labcorp Genetics (formerly Invitae), Labcorp); PubMed 35770352 (cited by Women's Health and Genetics/Laboratory Corporation of America, LabCorp); PubMed 27734074 (cited by Women's Health and Genetics/Laboratory Corporation of America, LabCorp); PubMed 18479429 (cited by Women's Health and Genetics/Laboratory Corporation of America, LabCorp and Natera, Inc.); PubMed 10094553 (cited by Women's Health and Genetics/Laboratory Corporation of America, LabCorp and Natera, Inc.); PubMed 8680410 (cited by 3 submitters); PubMed 37647632 (cited by Women's Health and Genetics/Laboratory Corporation of America, LabCorp); PubMed 29296726 (cited by Mendelics); PubMed 39875687 (cited by Natera, Inc.); PubMed 31064749 (cited by NIHR Bioresource Rare Diseases, University of Cambridge).